The following is an entry in ClinVar:

ClinVar aggregate classification (germline): Uncertain significance. Review status: criteria provided, multiple submitters, no conflicts (2 of 4 stars). 2 submissions from 2 submitters: Uncertain significance (2). Last evaluated 2025-07-09.

Conditions:
Cardiovascular phenotype. Identifiers: MedGen CN230736.
Familial thoracic aortic aneurysm and aortic dissection (TAAD). Also called: Thoracic aortic aneurysms and dissections. Identifiers: Orphanet 91387, MedGen C4707243, MONDO:0019625.

gnomAD v4.1: 7 of 1,613,816 alleles (0.00043%); highest among the groups gnomAD compares: African/African-American, 0.0013%; no homozygotes.

Submissions (2):

Labcorp Genetics (formerly Invitae), Labcorp
Classification: Uncertain significance for Familial thoracic aortic aneurysm and aortic dissection. Last evaluated: 2025-07-09. Review status: criteria provided, single submitter. Criteria: Invitae Variant Classification Sherloc (09022015). Collection method: clinical testing. Allele origin: germline.
Comment: This sequence change replaces arginine, which is basic and polar, with cysteine, which is neutral and slightly polar, at codon 177 of the MAT2A protein (p.Arg177Cys). This variant is not present in population databases (gnomAD no frequency). This variant has not been reported in the literature in individuals affected with MAT2A-related conditions. Invitae Evidence Modeling of protein sequence and biophysical properties (such as structural, functional, and spatial information, amino acid conservation, physicochemical variation, residue mobility, and thermodynamic stability) indicates that this missense variant is not expected to disrupt MAT2A protein function with a negative predictive value of 80%. In summary, the available evidence is currently insufficient to determine the role of this variant in disease. Therefore, it has been classified as a Variant of Uncertain Significance.

Ambry Genetics
Classification: Uncertain significance for Cardiovascular phenotype. Last evaluated: 2025-06-01. Review status: criteria provided, single submitter. Criteria: Ambry Variant Classification Scheme 2023. Collection method: clinical testing. Allele origin: germline.
Comment: The p.R177C variant (also known as c.529C>T), located in coding exon 5 of the MAT2A gene, results from a C to T substitution at nucleotide position 529. The arginine at codon 177 is replaced by cysteine, an amino acid with highly dissimilar properties. This amino acid position is conserved. In addition, the in silico prediction for this alteration is inconclusive. Based on the available evidence, the clinical significance of this variant remains unclear.

NM_005911.6(MAT2A):c.529C>T (p.Arg177Cys)

Genes: GGCX (gamma-glutamyl carboxylase; minus strand), MAT2A (methionine adenosyltransferase 2A; plus strand). Cytogenetic location: 2p11.2.
Variant type: single nucleotide variant.
Coding change: c.529C>T on transcript NM_005911.6 (MANE Select); coding-DNA position 529, C replaced by T.
Protein change: p.Arg177Cys; replaces arginine 177 with cysteine.
Molecular consequence: missense variant.
Genome position (GRCh38, 1-based): chr2:85,541,952, C>T. VCF-style: chr2-85541952-C-T. GRCh37 (hg19) VCF-style: chr2-85769075-C-T.
Other names: short protein forms R177C.
Identifiers: ClinVar variation 4052028 (VCV004052028.2).